The following is an entry in ClinVar:

ClinVar aggregate classification (germline): Likely pathogenic (1 of 4 stars; one submission).

Conditions:
Deficiency of aromatic-L-amino-acid decarboxylase. Also called: DDC DEFICIENCY; DOPA DECARBOXYLASE DEFICIENCY; AADC DEFICIENCY; Aromatic amino acid decarboxylase deficiency; Aromatic L-Amino Acid Decarboxylase Deficiency. Identifiers: Orphanet 35708, MedGen C1291564, MONDO:0012084, OMIM 608643.

Allele frequency attached by ClinVar (database versions not stated): TOPMed 0.00002; ESP Exome Variant Server 0.00008.
gnomAD v4.1: 3 of 1,614,028 alleles (0.00019%); highest among the groups gnomAD compares: African/African-American, 0.004%; no homozygotes.

Submission:

Labcorp Genetics (formerly Invitae), Labcorp
Classification: Likely pathogenic for Deficiency of aromatic-L-amino-acid decarboxylase. Last evaluated: 2025-10-28. Review status: criteria provided, single submitter. Criteria: Invitae Variant Classification Sherloc (09022015). Collection method: clinical testing. Allele origin: germline.
Comment: This sequence change replaces arginine, which is basic and polar, with proline, which is neutral and non-polar, at codon 39 of the DDC protein (p.Arg39Pro). This variant is present in population databases (rs376647978, gnomAD 0.007%). This missense change has been observed in individual(s) with aromatic L-amino acid decarboxylase deficiency (PMID: 31918669, 37348148; internal data). ClinVar contains an entry for this variant (Variation ID: 1016961). Invitae Evidence Modeling of protein sequence and biophysical properties (such as structural, functional, and spatial information, amino acid conservation, physicochemical variation, residue mobility, and thermodynamic stability) has been performed for this missense variant. However, the output from this modeling did not meet the statistical confidence thresholds required to predict the impact of this variant on DDC protein function. In summary, the currently available evidence indicates that the variant is pathogenic, but additional data are needed to prove that conclusively. Therefore, this variant has been classified as Likely Pathogenic.

Literature cited by the submitters: PubMed 31918669; PubMed 37348148.

NM_001082971.2(DDC):c.116G>C (p.Arg39Pro)

Gene: DDC (dopa decarboxylase; minus strand). Cytogenetic location: 7p12.1.
Variant type: single nucleotide variant.
Coding change: c.116G>C on transcript NM_001082971.2 (MANE Select); coding-DNA position 116, G replaced by C.
Protein change: p.Arg39Pro; replaces arginine 39 with proline.
Molecular consequence: missense variant.
Genome position (GRCh38, 1-based): chr7:50,543,970, C>G on the plus strand (G>C on the coding strand, the complement: DDC is on the minus strand). VCF-style: chr7-50543970-C-G. GRCh37 (hg19) VCF-style: chr7-50611668-C-G.
Other names: c.116G>C, p.Arg39Pro (NM_000790.4, NM_001242886.2, NM_001242887.2 and 3 more transcripts); short protein forms R39P.
Identifiers: ClinVar variation 1016961 (VCV001016961.9), dbSNP rs376647978, ClinGen allele CA158234569.